The following is an entry in ClinVar:

ClinVar aggregate classification (germline): Pathogenic (1 of 4 stars; one submission).

Conditions:
Parathyroid carcinoma (PRTC). Also called: Parathyroid gland carcinoma; CDC73-Related Parathyroid Carcinoma. Identifiers: Orphanet 143, MedGen C0687150, MONDO:0012004, OMIM 608266, HP:0006780.

Submission:

Labcorp Genetics (formerly Invitae), Labcorp
Classification: Pathogenic for Parathyroid carcinoma. Last evaluated: 2021-08-06. Review status: criteria provided, single submitter. Criteria: Invitae Variant Classification Sherloc (09022015). Collection method: clinical testing. Allele origin: germline.
Comment: For these reasons, this variant has been classified as Pathogenic. This variant has not been reported in the literature in individuals with CDC73-related conditions. This variant is not present in population databases (ExAC no frequency). This sequence change creates a premature translational stop signal (p.Gln210*) in the CDC73 gene. It is expected to result in an absent or disrupted protein product. Loss-of-function variants in CDC73 are known to be pathogenic (PMID: 12434154).

Literature cited by the submitters: PubMed 12434154.

NM_024529.5(CDC73):c.628C>T (p.Gln210Ter)

Gene: CDC73 (cell division cycle 73; plus strand). Cytogenetic location: 1q31.2.
Variant type: single nucleotide variant.
Coding change: c.628C>T on transcript NM_024529.5 (MANE Select); coding-DNA position 628, C replaced by T.
Protein change: p.Gln210Ter; replaces glutamine 210 with a stop codon.
Molecular consequence: nonsense.
Genome position (GRCh38, 1-based): chr1:193,141,965, C>T. VCF-style: chr1-193141965-C-T. GRCh37 (hg19) VCF-style: chr1-193111095-C-T.
Other names: short protein forms Q210*.
Identifiers: ClinVar variation 1355843 (VCV001355843.6), dbSNP rs2103126265, ClinGen allele CA343962584.